The following is an entry in ClinVar:

ClinVar aggregate classification (germline): Pathogenic (1 of 4 stars; one submission).

Conditions:
Cardiovascular phenotype. Identifiers: MedGen CN230736.

Submission:

Ambry Genetics
Classification: Pathogenic for Cardiovascular phenotype. Last evaluated: 2018-11-01. Review status: criteria provided, single submitter. Criteria: Ambry Variant Classification Scheme 2023. Collection method: clinical testing. Allele origin: germline.
Comment: The c.3607_3611dupGCTGT pathogenic mutation, located in coding exon 32 of the MYBPC3 gene, results from a duplication of GCTGT at nucleotide position 3607 to 3611, causing a translational frameshift with a predicted alternate stop codon (p.R1205Lfs*34). This alteration is expected to result in loss of function by premature protein truncation or nonsense-mediated mRNA decay. As such, this alteration is interpreted as a disease-causing mutation.

NM_000256.3(MYBPC3):c.3607_3611dup (p.Arg1205fs)

Gene: MYBPC3 (myosin binding protein C3; minus strand). Cytogenetic location: 11p11.2.
Variant type: Microsatellite.
Coding change: c.3607_3611dup on transcript NM_000256.3 (MANE Select); coding-DNA positions 3607 to 3611, 5 bases duplicated (GCTGT; older notation c.3607_3611dupGCTGT).
Protein change: p.Arg1205fs; shifts the reading frame from arginine 1205.
Molecular consequence: frameshift variant.
Genome position (GRCh38, 1-based): chr11:47,332,582-47,332,586, ACAGC duplicated on the plus strand (GCTGT on the coding strand, the reverse complement: MYBPC3 is on the minus strand); duplicating any 5 consecutive bases within chr11:47,332,582-47,332,592 gives the same sequence; the c. name uses the placement nearest the transcript's 3' end. VCF-style (leftmost placement, unchanged base first): chr11-47332581-G-GACAGC. GRCh37 (hg19) VCF-style: chr11-47354132-G-GACAGC.
Other names: c.3607_3611dupGCTGT (NM_000256.3); short protein forms R1205fs.
Identifiers: ClinVar variation 1733158 (VCV001733158.2), dbSNP rs2495737827, ClinGen allele CA2580615677.
Genomic context (GRCh38, chr11:47,332,581, plus strand): 5'-GCCCTGCCTCCTGGTCGGCCTGGACCAGCGCCTAAAGTTCCCTACCTTGGGGCTACCCCG[G>GACAGC]ACAGCACAGCAGAGCATAGCAGTGTAGCCCGCGATGACCGAGCGGTTCACCAGGGGCTGG-3'